The following is an entry in ClinVar:

ClinVar aggregate classification (germline): Likely pathogenic. Review status: reviewed by expert panel (3 of 4 stars). 2 submissions from 2 submitters: Likely pathogenic (1). 1 of the submissions does not count toward it. Last evaluated 2020-05-18.

Conditions:
Phenylketonuria (PKU). Also called: OLIGOPHRENIA PHENYLPYRUVICA; Phenylketonurias; FOLLING DISEASE; Phenylketonuria (PKU). Identifiers: Orphanet 716, MedGen C0031485, MONDO:0009861, OMIM 261600. Disease mechanism: loss of function.

Submissions (2):

ClinGen PAH Variant Curation Expert Panel
Classification: Likely pathogenic for Phenylketonuria. Last evaluated: 2020-05-18. Review status: reviewed by expert panel. Criteria: ClinGen PAH ACMG Specifications v1. Collection method: curation. Allele origin: germline. Inheritance: Autosomal recessive inheritance.
Comment: The c.1315+1G>T variant in PAH is a canonical splice-site variant predicted to lead to skipping of exon 13 (PVS1_Strong). Exon 13 encodes 15 amino acids + stop codon = 3.3% of PAH protein length. Along with Exon 12, Exon 13 forms the oligomerization domain (residues 411-452), which is responsible for the dimerization and tetramerization of the enzyme, important for regulation of PAH activity (e.g., positive cooperativity by the substrate, L-Phe, and decreasing PAH activity at low L-Phe concentration) (see PMID: 23457044; PMID: 22005392). Exon 13 contains the non-truncating Likely Pathogenic p.A447P (Likely Pathogenic by ClinGen PAH VCEP) and Pathogenic p.A447D variants (Likely Pathogenic by ClinGen PAH VCEP; Pathogenic in ClinVar (ID 102595; 4 submitters, 2 stars). Thus PVS1_Strong will be applied for variants resulting in deletion of this exon. It is absent from ethnically diverse control databases, including gnomAD/ExAC, 1000 Genomes, and ESP (PM2). It is also noted in ClinVar (ID 370074), where it is classified as Likely Pathogenic by one lab, with this published reported cited. Classification: Likely Pathogenic Supporting Criteria: PVS1_Strong; PM2; PP4

Counsyl
Classification: Likely pathogenic for Phenylketonuria. Last evaluated: 2015-11-27. Review status: no assertion criteria provided. Collection method: clinical testing. Allele origin: unknown. Not counted in ClinVar's aggregate classification.

Literature cited by the submitters: PubMed 10598814 (cited by Counsyl).

NM_000277.3(PAH):c.1315+1G>T

Gene: PAH (phenylalanine hydroxylase; minus strand). Cytogenetic location: 12q23.2.
Variant type: single nucleotide variant.
Coding change: c.1315+1G>T on transcript NM_000277.3 (MANE Select); the canonical splice donor site of the intron after coding-DNA position 1315, G replaced by T.
Molecular consequence: splice donor variant.
Genome position (GRCh38, 1-based): chr12:102,840,399, C>A on the plus strand (G>T on the coding strand, the complement: PAH is on the minus strand). VCF-style: chr12-102840399-C-A. GRCh37 (hg19) VCF-style: chr12-103234177-C-A.
Other names: c.1315+1G>T (NM_001354304.2).
Identifiers: ClinVar variation 370074 (VCV000370074.4), dbSNP rs5030861, ClinGen allele CA16020993.